The following is an entry in ClinVar:

ClinVar aggregate classification (germline): Uncertain significance. Review status: criteria provided, multiple submitters, no conflicts (2 of 4 stars). 2 submissions from 2 submitters: Uncertain significance (2). Last evaluated 2020-01-24.

Conditions:
Progressive sclerosing poliodystrophy (MTDPS4A). Also called: Alpers-Huttenlocher Syndrome (AHS); Alpers Syndrome; ALPERS PROGRESSIVE INFANTILE POLIODYSTROPHY; Mitochondrial DNA depletion syndrome 4A (Alpers type); ALPERS DIFFUSE DEGENERATION OF CEREBRAL GRAY MATTER WITH HEPATIC CIRRHOSIS; Alpers-Huttenlocher Syndrome. Identifiers: Orphanet 726, MedGen C0205710, MONDO:0008758, OMIM 203700.

Allele frequency attached by ClinVar (database versions not stated): gnomAD exomes below 0.00001.

Submissions (2):

Labcorp Genetics (formerly Invitae), Labcorp
Classification: Uncertain significance for Progressive sclerosing poliodystrophy. Last evaluated: 2020-01-24. Review status: criteria provided, single submitter. Criteria: Invitae Variant Classification Sherloc (09022015). Collection method: clinical testing. Allele origin: germline.
Comment: In summary, the available evidence is currently insufficient to determine the role of this variant in disease. Therefore, it has been classified as a Variant of Uncertain Significance. Algorithms developed to predict the effect of sequence changes on RNA splicing suggest that this variant may create or strengthen a splice site, but this prediction has not been confirmed by published transcriptional studies. Algorithms developed to predict the effect of missense changes on protein structure and function are either unavailable or do not agree on the potential impact of this missense change (SIFT: "Deleterious"; PolyPhen-2: "Benign"; Align-GVGD: "Class C0"). This variant has not been reported in the literature in individuals with POLG-related disease. This variant is not present in population databases (ExAC no frequency). This sequence change replaces methionine with valine at codon 295 of the POLG protein (p.Met295Val). The methionine residue is highly conserved and there is a small physicochemical difference between methionine and valine.

GeneDx
Classification: Uncertain significance. Last evaluated: 2019-05-06. Review status: criteria provided, single submitter. Criteria: GeneDx Variant Classification Process June 2021. Collection method: clinical testing. Allele origin: germline. Affected: yes.
Comment: Not observed at a significant frequency in large population cohorts (Lek et al., 2016); In silico analysis, which includes protein predictors and evolutionary conservation, supports a deleterious effect; Has not been previously published as pathogenic or benign to our knowledge

NM_002693.3(POLG):c.883A>G (p.Met295Val)

Gene: POLG (DNA polymerase gamma, catalytic subunit; minus strand). Cytogenetic location: 15q26.1.
Variant type: single nucleotide variant.
Coding change: c.883A>G on transcript NM_002693.3 (MANE Select); coding-DNA position 883, A replaced by G.
Protein change: p.Met295Val; replaces methionine 295 with valine.
Molecular consequence: missense variant.
Genome position (GRCh38, 1-based): chr15:89,329,083, T>C on the plus strand (A>G on the coding strand, the complement: POLG is on the minus strand). VCF-style: chr15-89329083-T-C. GRCh37 (hg19) VCF-style: chr15-89872314-T-C.
Other names: c.883A>G, p.Met295Val (NM_001126131.2); short protein forms M295V.
Identifiers: ClinVar variation 646794 (VCV000646794.10), dbSNP rs1460331646, ClinGen allele CA393766028.